The following is an entry in ClinVar:

NM_012213.3(MLYCD):c.*412T>C

Gene: MLYCD (malonyl-CoA decarboxylase; plus strand). Cytogenetic location: 16q23.3.
Variant type: single nucleotide variant.
Coding change: c.*412T>C on transcript NM_012213.3 (MANE Select); 412 bases downstream of the stop codon, T replaced by C.
Molecular consequence: 3 prime UTR variant.
Genome position (GRCh38, 1-based): chr16:83,915,901, T>C. VCF-style: chr16-83915901-T-C. GRCh37 (hg19) VCF-style: chr16-83949506-T-C.
Identifiers: ClinVar variation 320753 (VCV000320753.6), dbSNP rs1127382, ClinGen allele CA10638465.

ClinVar aggregate classification (germline): Benign. Review status: criteria provided, multiple submitters, no conflicts (2 of 4 stars). 2 submissions from 2 submitters: Benign (2). Last evaluated 2018-01-13.

Conditions:
Deficiency of malonyl-CoA decarboxylase. Also called: Malonic aciduria; MCD deficiency. Identifiers: Orphanet 943, MedGen C0342793, MONDO:0009556, OMIM 248360.

Allele frequency attached by ClinVar (database versions not stated): gnomAD 0.12319 and 0.12522; TOPMed 0.13309; 1000 Genomes Project 0.15555; 1000 Genomes Project 30x 0.15725.
gnomAD v4.1: 82,801 of 1,115,376 alleles (7.4%); highest among the groups gnomAD compares: African/African-American, 24%; 4,285 homozygotes.

Submissions (2):

Illumina Laboratory Services, Illumina
Classification: Benign for Deficiency of malonyl-CoA decarboxylase. Last evaluated: 2018-01-13. Review status: criteria provided, single submitter. Criteria: ICSL Variant Classification Criteria 13 December 2019. Collection method: clinical testing. Allele origin: germline.
Comment: This variant was observed in the ICSL laboratory as part of a predisposition screen in an ostensibly healthy population. It had not been previously curated by ICSL or reported in the Human Gene Mutation Database (HGMD: prior to June 1st, 2018), and was therefore a candidate for classification through an automated scoring system. Utilizing variant allele frequency, disease prevalence and penetrance estimates, and inheritance mode, an automated score was calculated to assess if this variant is too frequent to cause the disease. Based on the score and internal cut-off values, a variant classified as benign is not then subjected to further curation. The score for this variant resulted in a classification of benign for this disease.

Breakthrough Genomics
Classification: Benign. Review status: criteria provided, single submitter. Criteria: ACMG Guidelines, 2015. Collection method: not provided. Allele origin: germline. Inheritance: Autosomal recessive inheritance. Affected: yes.